The following is an entry in ClinVar:

ClinVar aggregate classification (germline): Conflicting classifications of pathogenicity. Review status: criteria provided, conflicting classifications (1 of 4 stars). 7 submissions from 7 submitters: Uncertain significance (3); Benign (1); Likely benign (3). Last evaluated 2026-02-01.

Conditions:
Anemia, congenital dyserythropoietic, type IVa. Also called: Congenital dyserythropoietic anemia type 4; Congenital dyserythropoietic anemia, type IV; CDA, TYPE IVa. Identifiers: Orphanet 293825, MedGen C3150926, MONDO:0013355, OMIM 613673.
FETAL HEMOGLOBIN QUANTITATIVE TRAIT LOCUS 6 (HBFQTL6). Also called: HEREDITARY PERSISTENCE OF FETAL HEMOGLOBIN, KLF1-RELATED. Identifiers: Orphanet 251380, MedGen C3150805, OMIM 613566.
BLOOD GROUP--LUTHERAN INHIBITOR (INLU). Also called: DOMINANT LU (a-b-) PHENOTYPE. Identifiers: MedGen C1292231, OMIM 111150.
Inborn genetic diseases. Identifiers: MedGen C0950123, MeSH D030342.

Allele frequency attached by ClinVar (database versions not stated): gnomAD 0.00016 and 0.00015; TOPMed 0.00020; gnomAD exomes 0.00026; ExAC 0.00055.

Submissions (7):

Labcorp Genetics (formerly Invitae), Labcorp
Classification: Uncertain significance. Last evaluated: 2026-02-01. Review status: criteria provided, single submitter. Criteria: Invitae Variant Classification Sherloc (09022015). Collection method: clinical testing. Allele origin: germline.
Comment: This sequence change replaces proline, which is neutral and non-polar, with alanine, which is neutral and non-polar, at codon 87 of the KLF1 protein (p.Pro87Ala). This variant is present in population databases (rs752204035, gnomAD 0.09%). This variant has not been reported in the literature in individuals affected with KLF1-related conditions. ClinVar contains an entry for this variant (Variation ID: 328323). Invitae Evidence Modeling of protein sequence and biophysical properties (such as structural, functional, and spatial information, amino acid conservation, physicochemical variation, residue mobility, and thermodynamic stability) indicates that this missense variant is not expected to disrupt KLF1 protein function with a negative predictive value of 80%. In summary, the available evidence is currently insufficient to determine the role of this variant in disease. Therefore, it has been classified as a Variant of Uncertain Significance.

Mayo Clinic Laboratories, Mayo Clinic
Classification: Uncertain significance. Last evaluated: 2025-03-04. Review status: criteria provided, single submitter. Criteria: ACMG Guidelines, 2015. Collection method: clinical testing. Allele origin: germline. Observed: 3 variant alleles.
Comment: BP4

Ambry Genetics
Classification: Uncertain significance for Inborn genetic diseases. Last evaluated: 2024-12-03. Review status: criteria provided, single submitter. Criteria: Ambry Variant Classification Scheme 2023. Collection method: clinical testing. Allele origin: germline.

Blueprint Genetics
Classification: Likely benign. Last evaluated: 2024-11-05. Review status: criteria provided, single submitter. Criteria: ACMG Guidelines, 2015. Collection method: clinical testing. Allele origin: germline.

CeGaT Center for Human Genetics Tuebingen
Classification: Benign. Last evaluated: 2022-08-01. Review status: criteria provided, single submitter. Criteria: CeGaT Center For Human Genetics Tuebingen Variant Classification Criteria Version 2. Collection method: clinical testing. Allele origin: germline. Affected: yes. Observed: 1 variant allele.
Comment: KLF1: BP4, BS1, BS2

Fulgent Genetics
Classification: Likely benign for BLOOD GROUP--LUTHERAN INHIBITOR; FETAL HEMOGLOBIN QUANTITATIVE TRAIT LOCUS 6; Anemia, congenital dyserythropoietic, type IVa. Last evaluated: 2021-07-09. Review status: criteria provided, single submitter. Criteria: ACMG Guidelines, 2015. Collection method: clinical testing. Allele origin: unknown.

Illumina Laboratory Services, Illumina
Classification: Likely benign for Anemia, congenital dyserythropoietic, type IVa. Last evaluated: 2018-01-13. Review status: criteria provided, single submitter. Criteria: ICSL Variant Classification Criteria 13 December 2019. Collection method: clinical testing. Allele origin: germline.
Comment: This variant was observed in the ICSL laboratory as part of a predisposition screen in an ostensibly healthy population. It had not been previously curated by ICSL or reported in the Human Gene Mutation Database (HGMD: prior to June 1st, 2018), and was therefore a candidate for classification through an automated scoring system. Utilizing variant allele frequency, disease prevalence and penetrance estimates, and inheritance mode, an automated score was calculated to assess if this variant is too frequent to cause the disease. Based on the score and internal cut-off values, a variant classified as likely benign is not then subjected to further curation. The score for this variant resulted in a classification of likely benign for this disease.

NM_006563.5(KLF1):c.259C>G (p.Pro87Ala)

Gene: KLF1 (KLF transcription factor 1; minus strand). Cytogenetic location: 19p13.13.
Variant type: single nucleotide variant.
Coding change: c.259C>G on transcript NM_006563.5 (MANE Select); coding-DNA position 259, C replaced by G.
Protein change: p.Pro87Ala; replaces proline 87 with alanine.
Molecular consequence: missense variant.
Genome position (GRCh38, 1-based): chr19:12,885,971, G>C on the plus strand (C>G on the coding strand, the complement: KLF1 is on the minus strand). VCF-style: chr19-12885971-G-C. GRCh37 (hg19) VCF-style: chr19-12996785-G-C.
Other names: p.Pro87Ala; short protein forms P87A.
Identifiers: ClinVar variation 328323 (VCV000328323.43), dbSNP rs752204035, ClinGen allele CA9234075.